The following is an entry in ClinVar:

ClinVar aggregate classification (germline): Uncertain significance. Review status: criteria provided, multiple submitters, no conflicts (2 of 4 stars). 2 submissions from 2 submitters: Uncertain significance (2). Last evaluated 2024-01-24.

Conditions:
Cardiovascular phenotype. Identifiers: MedGen CN230736.
ANKRD1-related dilated cardiomyopathy. Identifiers: MedGen CN119551.

Allele frequency attached by ClinVar (database versions not stated): gnomAD 0.00001.
gnomAD v4.1: 2 of 1,613,796 alleles (0.00012%); highest among the groups gnomAD compares: African/African-American, 0.0027%; no homozygotes.

Submissions (2):

Labcorp Genetics (formerly Invitae), Labcorp
Classification: Uncertain significance for ANKRD1-related dilated cardiomyopathy. Last evaluated: 2024-01-24. Review status: criteria provided, single submitter. Criteria: Invitae Variant Classification Sherloc (09022015). Collection method: clinical testing. Allele origin: germline.
Comment: This sequence change replaces aspartic acid, which is acidic and polar, with glutamic acid, which is acidic and polar, at codon 253 of the ANKRD1 protein (p.Asp253Glu). This variant is not present in population databases (gnomAD no frequency). This variant has not been reported in the literature in individuals affected with ANKRD1-related conditions. ClinVar contains an entry for this variant (Variation ID: 1380608). Advanced modeling of protein sequence and biophysical properties (such as structural, functional, and spatial information, amino acid conservation, physicochemical variation, residue mobility, and thermodynamic stability) has been performed at Invitae for this missense variant, however the output from this modeling did not meet the statistical confidence thresholds required to predict the impact of this variant on ANKRD1 protein function. In summary, the available evidence is currently insufficient to determine the role of this variant in disease. Therefore, it has been classified as a Variant of Uncertain Significance.

Ambry Genetics
Classification: Uncertain significance for Cardiovascular phenotype. Last evaluated: 2023-01-17. Review status: criteria provided, single submitter. Criteria: Ambry Variant Classification Scheme 2023. Collection method: clinical testing. Allele origin: germline.
Comment: The p.D253E variant (also known as c.759T>A), located in coding exon 8 of the ANKRD1 gene, results from a T to A substitution at nucleotide position 759. The aspartic acid at codon 253 is replaced by glutamic acid, an amino acid with highly similar properties. This amino acid position is conserved. In addition, the in silico prediction for this alteration is inconclusive. Since supporting evidence is limited at this time, the clinical significance of this alteration remains unclear.

NM_014391.3(ANKRD1):c.759T>A (p.Asp253Glu)

Gene: ANKRD1 (ankyrin repeat domain 1; minus strand). Cytogenetic location: 10q23.31.
Variant type: single nucleotide variant.
Coding change: c.759T>A on transcript NM_014391.3 (MANE Select); coding-DNA position 759, T replaced by A.
Protein change: p.Asp253Glu; replaces aspartic acid 253 with glutamic acid.
Molecular consequence: missense variant.
Genome position (GRCh38, 1-based): chr10:90,915,633, A>T on the plus strand (T>A on the coding strand, the complement: ANKRD1 is on the minus strand). VCF-style: chr10-90915633-A-T. GRCh37 (hg19) VCF-style: chr10-92675390-A-T.
Other names: c.759T>A (NM_014391.2); short protein forms D253E.
Identifiers: ClinVar variation 1380608 (VCV001380608.7), dbSNP rs139885263, ClinGen allele CA377549859.